The following is an entry in ClinVar:

ClinVar aggregate classification (germline): Uncertain significance (1 of 4 stars; one submission).

Submission:

Labcorp Genetics (formerly Invitae), Labcorp
Classification: Uncertain significance. Last evaluated: 2024-12-16. Review status: criteria provided, single submitter. Criteria: Invitae Variant Classification Sherloc (09022015). Collection method: clinical testing. Allele origin: germline.
Comment: This sequence change replaces leucine, which is neutral and non-polar, with valine, which is neutral and non-polar, at codon 403 of the KPNA7 protein (p.Leu403Val). This variant is not present in population databases (gnomAD no frequency). This variant has not been reported in the literature in individuals affected with KPNA7-related conditions. ClinVar contains an entry for this variant (Variation ID: 2131147). Invitae Evidence Modeling of protein sequence and biophysical properties (such as structural, functional, and spatial information, amino acid conservation, physicochemical variation, residue mobility, and thermodynamic stability) indicates that this missense variant is not expected to disrupt KPNA7 protein function with a negative predictive value of 80%. In summary, the available evidence is currently insufficient to determine the role of this variant in disease. Therefore, it has been classified as a Variant of Uncertain Significance.

NM_001145715.3(KPNA7):c.1207C>G (p.Leu403Val)

Gene: KPNA7 (karyopherin subunit alpha 7; minus strand). Cytogenetic location: 7q22.1.
Variant type: single nucleotide variant.
Coding change: c.1207C>G on transcript NM_001145715.3 (MANE Select); coding-DNA position 1207, C replaced by G.
Protein change: p.Leu403Val; replaces leucine 403 with valine.
Molecular consequence: missense variant.
Genome position (GRCh38, 1-based): chr7:99,181,993, G>C on the plus strand (C>G on the coding strand, the complement: KPNA7 is on the minus strand). VCF-style: chr7-99181993-G-C. GRCh37 (hg19) VCF-style: chr7-98779616-G-C.
Other names: short protein forms L403V.
Identifiers: ClinVar variation 2131147 (VCV002131147.4), dbSNP rs2535399398, ClinGen allele CA368418108.
Genomic context (GRCh38, chr7:99,181,993, plus strand): 5'-CTGGGGCAGTGAGCAGATTCACCAGTGGCTCCAGGACCCCAGAGTGGACGAGCTGGATCA[G>C]CTGATCCATGGTGGCCCCTGTTGCAAAGTTCGCCACCATCCAGACAGCCTCTTTCTGGAC-3'
Protein context (NP_001139187.1, residues 393-413): NFATGATMDQ[Leu403Val]IQLVHSGVLE